The following is an entry in ClinVar:

GRCh38/hg38 21p11.2-q22.3(chr21:7749532-46623792)x3

Genes: HLCS (holocarboxylase synthetase; minus strand), HLCS-AS1 (HLCS antisense RNA 1; plus strand), HMGN1 (high mobility group nucleosome binding domain 1; minus strand), HSF2BP (heat shock transcription factor 2 binding protein; minus strand), HSPA13 (heat shock protein family A (Hsp70) member 13; minus strand) and 1154 more. Cytogenetic location: 21p11.2-q22.3.
Variant type: copy number gain.
Change: copy number 3 (three copies instead of two) of chr21:7,749,532-46,623,792 (38.87 Mb, GRCh38 coordinates, 1-based), cytogenetic band 21p11.2-q22.3.
Identifiers: ClinVar variation 59221 (VCV000059221.2).

ClinVar aggregate classification (germline): Pathogenic (1 of 4 stars; one submission).

Submission:

ISCA Site 6
Classification: Pathogenic. Last evaluated: 2011-08-12. Review status: criteria provided, single submitter. Criteria: Kaminsky et al. (Genet Med. 2011). Collection method: clinical testing. Allele origin: unknown. Affected: yes. Observed: 1 variant allele.
Comment: Copy number variation identified through the course of routine clinical cytogenomic testing in postnatal populations. Clinical assertions have been curated as described in Kaminsky et al. 2011.